The following is an entry in ClinVar:

ClinVar aggregate classification (germline): Likely pathogenic. Review status: criteria provided, multiple submitters, no conflicts (2 of 4 stars). 2 submissions from 2 submitters: Likely pathogenic (2). Last evaluated 2025-09-13.

Conditions:
Nephronophthisis 12 (NPHP12). Identifiers: Orphanet 655, MedGen C3151186, MONDO:0013442, OMIM 613820.
Asphyxiating thoracic dystrophy 4 (SRTD4). Also called: SHORT-RIB THORACIC DYSPLASIA 4 WITH OR WITHOUT POLYDACTYLY; SHORT-RIB THORACIC DYSPLASIA 4. Identifiers: Orphanet 474, MedGen C3151185, MONDO:0013441, OMIM 613819.
Jeune thoracic dystrophy. Also called: Jeune syndrome; Short-rib thoracic dysplasia; Infantile thoracic dystrophy; Thoracic pelvic phalangeal dystrophy; Jeune's syndrome; Chondroectodermal dysplasia-like syndrome. Identifiers: Orphanet 474, MedGen C0265275, MONDO:0018770.
Nephronophthisis. Also called: Juvenile Nephronophthisis. Identifiers: Orphanet 655, MedGen C0687120, MONDO:0019005, HP:0000090.

Allele frequency attached by ClinVar (database versions not stated): gnomAD exomes 0.00001; TOPMed 0.00001; ExAC 0.00002.
gnomAD v4.1: 5 of 1,613,340 alleles (0.00031%); highest among the groups gnomAD compares: East Asian, 0.0045%; no homozygotes.

Submissions (2):

Labcorp Genetics (formerly Invitae), Labcorp
Classification: Likely pathogenic for Jeune thoracic dystrophy; Nephronophthisis. Last evaluated: 2025-09-13. Review status: criteria provided, single submitter. Criteria: Invitae Variant Classification Sherloc (09022015). Collection method: clinical testing. Allele origin: germline.
Comment: This sequence change affects an acceptor splice site in intron 23 of the TTC21B gene. It is expected to disrupt RNA splicing. Variants that disrupt the donor or acceptor splice site typically lead to a loss of protein function (PMID: 16199547), and loss-of-function variants in TTC21B are known to be pathogenic (PMID: 18327258, 21068128, 21258341, 23559409, 24876116, 25492405, 27491411, 29068549). This variant is present in population databases (rs779472675, gnomAD 0.002%). This variant has not been reported in the literature in individuals affected with TTC21B-related conditions. ClinVar contains an entry for this variant (Variation ID: 1179039). Algorithms developed to predict the effect of sequence changes on RNA splicing suggest that this variant may disrupt the consensus splice site. In summary, the currently available evidence indicates that the variant is pathogenic, but additional data are needed to prove that conclusively. Therefore, this variant has been classified as Likely Pathogenic.

Fulgent Genetics
Classification: Likely pathogenic for Asphyxiating thoracic dystrophy 4; Nephronophthisis 12. Last evaluated: 2021-06-30. Review status: criteria provided, single submitter. Criteria: ACMG Guidelines, 2015. Collection method: clinical testing. Allele origin: unknown.
Comment: This variant has been detected in individual(s) who were sent for testing of Renasight - kidney gene panel.

Literature cited by the submitters: PubMed 16199547 (cited by Labcorp Genetics (formerly Invitae), Labcorp); PubMed 18327258 (cited by Labcorp Genetics (formerly Invitae), Labcorp); PubMed 21068128 (cited by Labcorp Genetics (formerly Invitae), Labcorp); PubMed 21258341 (cited by Labcorp Genetics (formerly Invitae), Labcorp); PubMed 23559409 (cited by Labcorp Genetics (formerly Invitae), Labcorp); PubMed 24876116 (cited by Labcorp Genetics (formerly Invitae), Labcorp); PubMed 25492405 (cited by Labcorp Genetics (formerly Invitae), Labcorp); PubMed 27491411 (cited by Labcorp Genetics (formerly Invitae), Labcorp); PubMed 29068549 (cited by Labcorp Genetics (formerly Invitae), Labcorp).

NM_024753.5(TTC21B):c.3102-2A>G

Gene: TTC21B (tetratricopeptide repeat domain 21B; minus strand). Cytogenetic location: 2q24.3.
Variant type: single nucleotide variant.
Coding change: c.3102-2A>G on transcript NM_024753.5 (MANE Select); the canonical splice acceptor site of the intron before coding-DNA position 3102, A replaced by G.
Molecular consequence: splice acceptor variant.
Genome position (GRCh38, 1-based): chr2:165,890,642, T>C on the plus strand (A>G on the coding strand, the complement: TTC21B is on the minus strand). VCF-style: chr2-165890642-T-C. GRCh37 (hg19) VCF-style: chr2-166747152-T-C.
Identifiers: ClinVar variation 1179039 (VCV001179039.5), dbSNP rs779472675, ClinGen allele CA1941580.